The following is an entry in ClinVar:

NM_030632.3(ASXL3):c.1207C>T (p.Gln403Ter)

Gene: ASXL3 (ASXL transcriptional regulator 3; plus strand). Cytogenetic location: 18q12.1.
Variant type: single nucleotide variant.
Coding change: c.1207C>T on transcript NM_030632.3 (MANE Select); coding-DNA position 1207, C replaced by T.
Protein change: p.Gln403Ter; replaces glutamine 403 with a stop codon.
Molecular consequence: nonsense.
Genome position (GRCh38, 1-based): chr18:33,738,611, C>T. VCF-style: chr18-33738611-C-T. GRCh37 (hg19) VCF-style: chr18-31318575-C-T.
Other names: short protein forms Q403*.
Identifiers: ClinVar variation 984874 (VCV000984874.3), dbSNP rs2067589435, ClinGen allele CA402174791.
Genomic context (GRCh38, chr18:33,738,611, plus strand): 5'-AGTAGTTCTTCATGTGGGACTTCTGGCCTTCCAGTTTCTGCACAGACAGCCTTGGCAGAA[C>T]AACAGCCAAAAAGCATGAAAAGCCCAGCTTCTCCAGAGCCTGGTTTCTGTGCTACTCTTT-3'

ClinVar aggregate classification (germline): Pathogenic (1 of 4 stars; one submission).

Conditions:
Bainbridge-Ropers syndrome. Also called: Severe feeding difficulties-failure to thrive-microcephaly due to ASXL3 deficiency syndrome. Identifiers: Orphanet 352577, MedGen C4750837, MONDO:0014205, OMIM 615485.

Submission:

3billion
Classification: Pathogenic for Bainbridge-Ropers syndrome. Last evaluated: 2024-09-11. Review status: criteria provided, single submitter. Criteria: ACMG Guidelines, 2015. Collection method: clinical testing. Allele origin: germline. Affected: yes.
Comment: The variant is not observed in the gnomAD v4.0.0 dataset. Predicted Consequence/Location: Stop-gained (nonsense): predicted to result in a loss or disruption of normal protein function through nonsense-mediated decay (NMD) or protein truncation. Multiple pathogenic variants are reported downstream of the variant. The variant has been previously reported as de novo in a similarly affected individual (PMID: 29453417). The variant has been reported to be associated with ASXL3-related disorder (ClinVar ID: VCV000984874 /PMID: 29453417 /3billion dataset). Therefore, this variant is classified as Pathogenic according to the recommendation of ACMG/AMP guideline.

Literature cited by the submitters: PubMed 29453417 (cited by 3billion).